The following is an entry in ClinVar:

NM_006206.6(PDGFRA):c.808A>C (p.Lys270Gln)

Gene: PDGFRA (platelet derived growth factor receptor alpha; plus strand). Cytogenetic location: 4q12.
Variant type: single nucleotide variant.
Coding change: c.808A>C on transcript NM_006206.6 (MANE Select); coding-DNA position 808, A replaced by C.
Protein change: p.Lys270Gln; replaces lysine 270 with glutamine.
Molecular consequence: missense variant.
Genome position (GRCh38, 1-based): chr4:54,267,337, A>C. VCF-style: chr4-54267337-A-C. GRCh37 (hg19) VCF-style: chr4-55133504-A-C.
Other names: c.808A>C, p.Lys270Gln (NM_001347827.2, NM_001347829.2); c.883A>C, p.Lys295Gln (NM_001347828.2); c.847A>C, p.Lys283Gln (NM_001347830.2); short protein forms K283Q, K270Q, K295Q.
Identifiers: ClinVar variation 1404725 (VCV001404725.8), dbSNP rs1263572484, ClinGen allele CA356891151.
Genomic context (GRCh38, chr4:54,267,337, plus strand): 5'-CTTTTGCTGTAGAAAGGCAAAGGCATCACAATGCTGGAAGAAATCAAAGTCCCATCCATC[A>C]AATTGGTGTACACTTTGACGGTCCCCGAGGCCACGGTGAAAGACAGTGGAGATTACGAAT-3'
Protein context (NP_006197.1, residues 260-280): MLEEIKVPSI[Lys270Gln]LVYTLTVPEA

ClinVar aggregate classification (germline): Uncertain significance (1 of 4 stars; one submission).

Conditions:
Gastrointestinal stromal tumor. Also called: Gastrointestinal stroma tumor; Gastrointestinal stromal tumor, somatic. Identifiers: Orphanet 44890, MedGen C0238198, MeSH D046152, MONDO:0011719, OMIM 606764, HP:0100723.

Submission:

Labcorp Genetics (formerly Invitae), Labcorp
Classification: Uncertain significance for Gastrointestinal stromal tumor. Last evaluated: 2023-07-07. Review status: criteria provided, single submitter. Criteria: Invitae Variant Classification Sherloc (09022015). Collection method: clinical testing. Allele origin: germline.
Comment: This sequence change replaces lysine, which is basic and polar, with glutamine, which is neutral and polar, at codon 270 of the PDGFRA protein (p.Lys270Gln). This variant is not present in population databases (gnomAD no frequency). This variant has not been reported in the literature in individuals affected with PDGFRA-related conditions. ClinVar contains an entry for this variant (Variation ID: 1404725). Advanced modeling of protein sequence and biophysical properties (such as structural, functional, and spatial information, amino acid conservation, physicochemical variation, residue mobility, and thermodynamic stability) performed at Invitae indicates that this missense variant is not expected to disrupt PDGFRA protein function. In summary, the available evidence is currently insufficient to determine the role of this variant in disease. Therefore, it has been classified as a Variant of Uncertain Significance.